The following is an entry in ClinVar:

NM_002049.4(GATA1):c.-19-4_-14delinsTGGGATTA

Gene: GATA1 (GATA binding protein 1; plus strand). Cytogenetic location: Xp11.23.
Variant type: Indel.
Coding change: c.-19-4_-14delinsTGGGATTA on transcript NM_002049.4 (MANE Select); 4 bases into the intron before 19 bases upstream of the start codon through 14 bases upstream of the start codon, GCAGGTTAAT replaced by TGGGATTA.
Molecular consequence: splice acceptor variant.
Genome position (GRCh38, 1-based): chrX:48,791,087-48,791,096, GCAGGTTAAT replaced by TGGGATTA. VCF-style: chrX-48791087-GCAGGTTAAT-TGGGATTA. GRCh37 (hg19) VCF-style: chrX-48649494-GCAGGTTAAT-TGGGATTA.
Identifiers: ClinVar variation 5001469 (VCV005001469.1).

ClinVar aggregate classification (germline): Uncertain significance (1 of 4 stars; one submission).

Conditions:
GATA1-related disorder. Also called: GATA1-related condition.

Submission:

PreventionGenetics, part of Exact Sciences
Classification: Uncertain significance for GATA1-related condition. Last evaluated: 2024-12-10. Review status: criteria provided, single submitter. Criteria: ACMG Guidelines, 2015. Collection method: clinical testing. Allele origin: germline.
Comment: The GATA1 c.-19-4_-14delinsTGGGATTA variant is located in the 5' untranslated region. This variant is predicted to alter splicing based on an available splicing prediction program (SpliceAI, Jaganathan et al. 2019. PubMed ID: 30661751). However, the use of computer prediction programs is not equivalent to functional evidence. To our knowledge, this variant has not been reported in the literature or in a large population database (gnomAD), indicating this variant is rare. At this time, the clinical significance of this variant is uncertain due to the absence of conclusive functional and genetic evidence.